The following is an entry in ClinVar:

ClinVar aggregate classification (germline): Uncertain significance (1 of 4 stars; one submission).

Conditions:
Sulfite oxidase deficiency due to molybdenum cofactor deficiency type C. Also called: Molybdenum cofactor deficiency, complementation group C; Molybdenum cofactor deficiency C. Identifiers: Orphanet 308400, Orphanet 833, MedGen C1854990, MONDO:0014212, OMIM 615501.

Allele frequency attached by ClinVar (database versions not stated): gnomAD exomes below 0.00001; ExAC 0.00002; TOPMed 0.00002.
gnomAD v4.1: 1 of 1,608,150 alleles (0.000062%); highest among the groups gnomAD compares: South Asian, 0.0011%; no homozygotes.

Submission:

Labcorp Genetics (formerly Invitae), Labcorp
Classification: Uncertain significance for Sulfite oxidase deficiency due to molybdenum cofactor deficiency type C. Last evaluated: 2022-04-28. Review status: criteria provided, single submitter. Criteria: Invitae Variant Classification Sherloc (09022015). Collection method: clinical testing. Allele origin: germline.
Comment: In summary, the available evidence is currently insufficient to determine the role of this variant in disease. Therefore, it has been classified as a Variant of Uncertain Significance. Algorithms developed to predict the effect of missense changes on protein structure and function are either unavailable or do not agree on the potential impact of this missense change (SIFT: "Deleterious"; PolyPhen-2: "Possibly Damaging"; Align-GVGD: "Class C0"). This variant has not been reported in the literature in individuals affected with GPHN-related conditions. This variant is present in population databases (rs756165409, gnomAD 0.003%). This sequence change replaces isoleucine, which is neutral and non-polar, with leucine, which is neutral and non-polar, at codon 602 of the GPHN protein (p.Ile602Leu).

NM_020806.5(GPHN):c.1804A>C (p.Ile602Leu)

Gene: GPHN (gephyrin; plus strand). Cytogenetic location: 14q23.3.
Variant type: single nucleotide variant.
Coding change: c.1804A>C on transcript NM_020806.5 (MANE Select); coding-DNA position 1804, A replaced by C.
Protein change: p.Ile602Leu; replaces isoleucine 602 with leucine.
Molecular consequence: missense variant.
Genome position (GRCh38, 1-based): chr14:67,143,417, A>C. VCF-style: chr14-67143417-A-C. GRCh37 (hg19) VCF-style: chr14-67610134-A-C.
Other names: c.1705A>C, p.Ile569Leu (NM_001024218.2); c.1864A>C, p.Ile622Leu (NM_001377514.1); c.1834A>C, p.Ile612Leu (NM_001377515.1); c.1825A>C, p.Ile609Leu (NM_001377516.1); c.1777A>C, p.Ile593Leu (NM_001377517.1); c.1762A>C, p.Ile588Leu (NM_001377518.1); c.1744A>C, p.Ile582Leu (NM_001377519.1); short protein forms I569L, I582L, I602L, I588L, I609L, I612L, I622L, I593L.
Identifiers: ClinVar variation 1971396 (VCV001971396.5), dbSNP rs756165409, ClinGen allele CA7234181.